The following is an entry in ClinVar:

ClinVar aggregate classification (germline): Uncertain significance. Review status: criteria provided, multiple submitters, no conflicts (2 of 4 stars). 2 submissions from 2 submitters: Uncertain significance (2). Last evaluated 2022-07-21.

Allele frequency attached by ClinVar (database versions not stated): TOPMed below 0.00001; gnomAD exomes 0.00001; ExAC 0.00002.
gnomAD v4.1: 7 of 1,613,922 alleles (0.00043%); highest among the groups gnomAD compares: African/African-American, 0.0013%; no homozygotes.

Submissions (2):

Labcorp Genetics (formerly Invitae), Labcorp
Classification: Uncertain significance. Last evaluated: 2022-07-21. Review status: criteria provided, single submitter. Criteria: Invitae Variant Classification Sherloc (09022015). Collection method: clinical testing. Allele origin: germline.
Comment: In summary, the available evidence is currently insufficient to determine the role of this variant in disease. Therefore, it has been classified as a Variant of Uncertain Significance. Algorithms developed to predict the effect of missense changes on protein structure and function (SIFT, PolyPhen-2, Align-GVGD) all suggest that this variant is likely to be tolerated. This variant has not been reported in the literature in individuals affected with EXTL3-related conditions. This variant is present in population databases (rs748643272, gnomAD 0.01%). This sequence change replaces asparagine, which is neutral and polar, with aspartic acid, which is acidic and polar, at codon 133 of the EXTL3 protein (p.Asn133Asp).

Blueprint Genetics
Classification: Uncertain significance. Last evaluated: 2020-01-04. Review status: criteria provided, single submitter. Criteria: ACMG Guidelines, 2015. Collection method: clinical testing. Allele origin: germline.

NM_001440.4(EXTL3):c.397A>G (p.Asn133Asp)

Gene: EXTL3 (exostosin like glycosyltransferase 3; plus strand). Cytogenetic location: 8p21.1.
Variant type: single nucleotide variant.
Coding change: c.397A>G on transcript NM_001440.4 (MANE Select); coding-DNA position 397, A replaced by G.
Protein change: p.Asn133Asp; replaces asparagine 133 with aspartic acid.
Molecular consequence: missense variant.
Genome position (GRCh38, 1-based): chr8:28,716,456, A>G. VCF-style: chr8-28716456-A-G. GRCh37 (hg19) VCF-style: chr8-28573973-A-G.
Other names: short protein forms N133D.
Identifiers: ClinVar variation 2173627 (VCV002173627.3), dbSNP rs748643272, ClinGen allele CA4695993.